The following is an entry in ClinVar:

ClinVar aggregate classification (germline): Likely benign (1 of 4 stars; one submission).

gnomAD v4.1: 25 of 1,613,570 alleles (0.0015%); highest among the groups gnomAD compares: African/African-American, 0.028%; no homozygotes.

Submission:

CeGaT Center for Human Genetics Tuebingen
Classification: Likely benign. Last evaluated: 2024-10-01. Review status: criteria provided, single submitter. Criteria: CeGaT Center For Human Genetics Tuebingen Variant Classification Criteria Version 2. Collection method: clinical testing. Allele origin: germline. Affected: yes. Observed: 1 variant allele.
Comment: FAT1: BP4, BP7

NM_005245.4(FAT1):c.12273A>G (p.Pro4091=)

Gene: FAT1 (FAT atypical cadherin 1; minus strand). Cytogenetic location: 4q35.2.
Variant type: single nucleotide variant.
Coding change: c.12273A>G on transcript NM_005245.4 (MANE Select); coding-DNA position 12273, A replaced by G.
Protein change: p.Pro4091=; no amino-acid change (proline 4091 retained).
Molecular consequence: synonymous variant.
Genome position (GRCh38, 1-based): chr4:186,597,777, T>C on the plus strand (A>G on the coding strand, the complement: FAT1 is on the minus strand). VCF-style: chr4-186597777-T-C. GRCh37 (hg19) VCF-style: chr4-187518931-T-C.
Identifiers: ClinVar variation 3388899 (VCV003388899.14).